The following is an entry in ClinVar:

NM_001042492.3(NF1):c.4591G>A (p.Val1531Ile)

Gene: NF1 (neurofibromin 1; plus strand). Cytogenetic location: 17q11.2.
Variant type: single nucleotide variant.
Coding change: c.4591G>A on transcript NM_001042492.3 (MANE Select); coding-DNA position 4591, G replaced by A.
Protein change: p.Val1531Ile; replaces valine 1531 with isoleucine.
Molecular consequence: missense variant.
Genome position (GRCh38, 1-based): chr17:31,261,724, G>A. VCF-style: chr17-31261724-G-A. GRCh37 (hg19) VCF-style: chr17-29588742-G-A.
Other names: c.4528G>A, p.Val1510Ile (NM_000267.4); short protein forms V1510I, V1531I.
Identifiers: ClinVar variation 2813928 (VCV002813928.3), dbSNP rs2151466215, ClinGen allele CA399000141.

ClinVar aggregate classification (germline): Uncertain significance (1 of 4 stars; one submission).

Conditions:
Neurofibromatosis, type 1 (NF1). Also called: NEUROFIBROMATOSIS, TYPE I, SOMATIC; Peripheral type neurofibromatosis; VON RECKLINGHAUSEN DISEASE; Neurofibromatosis, type I. Identifiers: Orphanet 636, MedGen C0027831, MONDO:0018975, OMIM 162200. Disease mechanism: loss of function.

gnomAD v4.1: 1 of 1,612,100 alleles (0.000062%); highest among the groups gnomAD compares: Non-Finnish European, 0.000085%; no homozygotes.

Submission:

Labcorp Genetics (formerly Invitae), Labcorp
Classification: Uncertain significance for Neurofibromatosis, type 1. Last evaluated: 2022-11-12. Review status: criteria provided, single submitter. Criteria: Invitae Variant Classification Sherloc (09022015). Collection method: clinical testing. Allele origin: germline.
Comment: This sequence change replaces valine, which is neutral and non-polar, with isoleucine, which is neutral and non-polar, at codon 1510 of the NF1 protein (p.Val1510Ile). This variant is not present in population databases (gnomAD no frequency). This variant has not been reported in the literature in individuals affected with NF1-related conditions. Advanced modeling of protein sequence and biophysical properties (such as structural, functional, and spatial information, amino acid conservation, physicochemical variation, residue mobility, and thermodynamic stability) performed at Invitae indicates that this missense variant is expected to disrupt NF1 protein function. In summary, the available evidence is currently insufficient to determine the role of this variant in disease. Therefore, it has been classified as a Variant of Uncertain Significance.